The following is an entry in ClinVar:

NM_020964.3(EPG5):c.5637C>G (p.Ser1879Arg)

Gene: EPG5 (ectopic P-granules 5 autophagy tethering factor; minus strand). Cytogenetic location: 18q12.3.
Variant type: single nucleotide variant.
Coding change: c.5637C>G on transcript NM_020964.3 (MANE Select); coding-DNA position 5637, C replaced by G.
Protein change: p.Ser1879Arg; replaces serine 1879 with arginine.
Molecular consequence: missense variant.
Genome position (GRCh38, 1-based): chr18:45,880,105, G>C on the plus strand (C>G on the coding strand, the complement: EPG5 is on the minus strand). VCF-style: chr18-45880105-G-C. GRCh37 (hg19) VCF-style: chr18-43460070-G-C.
Other names: short protein forms S1879R.
Identifiers: ClinVar variation 1470196 (VCV001470196.9), dbSNP rs2049060710, ClinGen allele CA402343386.

ClinVar aggregate classification (germline): Uncertain significance (1 of 4 stars; one submission).

Conditions:
Vici syndrome (VICIS). Identifiers: Orphanet 1493, MedGen C1855772, MONDO:0009452, OMIM 242840.

Allele frequency attached by ClinVar (database versions not stated): TOPMed below 0.00001.

Submission:

Labcorp Genetics (formerly Invitae), Labcorp
Classification: Uncertain significance for Vici syndrome. Last evaluated: 2022-07-19. Review status: criteria provided, single submitter. Criteria: Invitae Variant Classification Sherloc (09022015). Collection method: clinical testing. Allele origin: germline.
Comment: In summary, the available evidence is currently insufficient to determine the role of this variant in disease. Therefore, it has been classified as a Variant of Uncertain Significance. Algorithms developed to predict the effect of sequence changes on RNA splicing suggest that this variant may create or strengthen a splice site. Algorithms developed to predict the effect of missense changes on protein structure and function output the following: SIFT: "Tolerated"; PolyPhen-2: "Benign"; Align-GVGD: "Class C0". The arginine amino acid residue is found in multiple mammalian species, which suggests that this missense change does not adversely affect protein function. ClinVar contains an entry for this variant (Variation ID: 1470196). This variant has not been reported in the literature in individuals affected with EPG5-related conditions. This variant is not present in population databases (gnomAD no frequency). This sequence change replaces serine, which is neutral and polar, with arginine, which is basic and polar, at codon 1879 of the EPG5 protein (p.Ser1879Arg).